The following is an entry in ClinVar:

ClinVar aggregate classification (germline): Uncertain significance. Review status: criteria provided, multiple submitters, no conflicts (2 of 4 stars). 2 submissions from 2 submitters: Uncertain significance (2). Last evaluated 2025-05-27.

Conditions:
Inborn genetic diseases. Identifiers: MedGen C0950123, MeSH D030342.

Submissions (2):

Ambry Genetics
Classification: Uncertain significance for Inborn genetic diseases. Last evaluated: 2025-05-27. Review status: criteria provided, single submitter. Criteria: Ambry Variant Classification Scheme 2023. Collection method: clinical testing. Allele origin: germline.
Comment: The c.6607G>C (p.G2203R) alteration is located in exon 47 (coding exon 46) of the MTOR gene. This alteration results from a G to C substitution at nucleotide position 6607, causing the glycine (G) at amino acid position 2203 to be replaced by an arginine (R). This variant was not reported in population-based cohorts in the Genome Aggregation Database (gnomAD). This amino acid position is highly conserved in available vertebrate species. This missense alteration is located in a region that has a low rate of benign missense variation (Lek, 2016; Firth, 2009). This alteration is predicted to be deleterious by in silico analysis. Based on insufficient or conflicting evidence, the clinical significance of this alteration remains unclear.

Labcorp Genetics (formerly Invitae), Labcorp
Classification: Uncertain significance. Last evaluated: 2023-11-01. Review status: criteria provided, single submitter. Criteria: Invitae Variant Classification Sherloc (09022015). Collection method: clinical testing. Allele origin: germline.
Comment: This sequence change replaces glycine, which is neutral and non-polar, with arginine, which is basic and polar, at codon 2203 of the MTOR protein (p.Gly2203Arg). This variant is not present in population databases (gnomAD no frequency). This variant has not been reported in the literature in individuals affected with MTOR-related conditions. Advanced modeling of protein sequence and biophysical properties (such as structural, functional, and spatial information, amino acid conservation, physicochemical variation, residue mobility, and thermodynamic stability) has been performed at Invitae for this missense variant, however the output from this modeling did not meet the statistical confidence thresholds required to predict the impact of this variant on MTOR protein function. In summary, the available evidence is currently insufficient to determine the role of this variant in disease. Therefore, it has been classified as a Variant of Uncertain Significance.

NM_004958.4(MTOR):c.6607G>C (p.Gly2203Arg)

Gene: MTOR (mechanistic target of rapamycin kinase; minus strand). Cytogenetic location: 1p36.22.
Variant type: single nucleotide variant.
Coding change: c.6607G>C on transcript NM_004958.4 (MANE Select); coding-DNA position 6607, G replaced by C.
Protein change: p.Gly2203Arg; replaces glycine 2203 with arginine.
Molecular consequence: missense variant.
Genome position (GRCh38, 1-based): chr1:11,124,553, C>G on the plus strand (G>C on the coding strand, the complement: MTOR is on the minus strand). VCF-style: chr1-11124553-C-G. GRCh37 (hg19) VCF-style: chr1-11184610-C-G.
Other names: c.6607G>C, p.Gly2203Arg (NM_001386500.1); c.5359G>C, p.Gly1787Arg (NM_001386501.1); short protein forms G2203R, G1787R.
Identifiers: ClinVar variation 2773231 (VCV002773231.5), dbSNP rs2100381863, ClinGen allele CA338387516.